The following is an entry in ClinVar:

NM_014000.3(VCL):c.2693T>C (p.Met898Thr)

Gene: VCL (vinculin; plus strand). Cytogenetic location: 10q22.2.
Variant type: single nucleotide variant.
Coding change: c.2693T>C on transcript NM_014000.3 (MANE Select); coding-DNA position 2693, T replaced by C.
Protein change: p.Met898Thr; replaces methionine 898 with threonine.
Molecular consequence: missense variant.
Genome position (GRCh38, 1-based): chr10:74,109,104, T>C. VCF-style: chr10-74109104-T-C. GRCh37 (hg19) VCF-style: chr10-75868862-T-C.
Other names: c.2693T>C, p.Met898Thr (NM_003373.4); short protein forms M898T.
Identifiers: ClinVar variation 2982127 (VCV002982127.3), dbSNP rs2549234343, ClinGen allele CA377264381.

ClinVar aggregate classification (germline): Uncertain significance (1 of 4 stars; one submission).

Conditions:
Dilated cardiomyopathy 1W (CMD1W). Identifiers: Orphanet 154, MedGen C1969639, MONDO:0012667, OMIM 611407.

Allele frequency attached by ClinVar (database versions not stated): gnomAD exomes below 0.00001.
gnomAD v4.1: 1 of 1,613,998 alleles (0.000062%); highest among the groups gnomAD compares: Non-Finnish European, 0.000085%; no homozygotes.

Submission:

Labcorp Genetics (formerly Invitae), Labcorp
Classification: Uncertain significance for Dilated cardiomyopathy 1W. Last evaluated: 2024-10-03. Review status: criteria provided, single submitter. Criteria: Invitae Variant Classification Sherloc (09022015). Collection method: clinical testing. Allele origin: germline.
Comment: This sequence change replaces methionine, which is neutral and non-polar, with threonine, which is neutral and polar, at codon 898 of the VCL protein (p.Met898Thr). This variant is not present in population databases (gnomAD no frequency). This variant has not been reported in the literature in individuals affected with VCL-related conditions. An algorithm developed to predict the effect of missense changes on protein structure and function (PolyPhen-2) suggests that this variant is likely to be disruptive. In summary, the available evidence is currently insufficient to determine the role of this variant in disease. Therefore, it has been classified as a Variant of Uncertain Significance.